The following is an entry in ClinVar:

NM_014415.4(ZBTB11):c.2214A>G (p.Ser738=)

Gene: ZBTB11 (zinc finger and BTB domain containing 11; minus strand). Cytogenetic location: 3q12.3.
Variant type: single nucleotide variant.
Coding change: c.2214A>G on transcript NM_014415.4 (MANE Select); coding-DNA position 2214, A replaced by G.
Protein change: p.Ser738=; no amino-acid change (serine 738 retained).
Molecular consequence: synonymous variant.
Genome position (GRCh38, 1-based): chr3:101,654,799, T>C on the plus strand (A>G on the coding strand, the complement: ZBTB11 is on the minus strand). VCF-style: chr3-101654799-T-C. GRCh37 (hg19) VCF-style: chr3-101373643-T-C.
Identifiers: ClinVar variation 3043402 (VCV003043402.2), dbSNP rs115707430, ClinGen allele CA2520981.
Genomic context (GRCh38, chr3:101,654,799, plus strand): 5'-TTGGTGTTTCTTGAAGTGCTTGCTGAGTCCAGAGCCCCTATGAAAAGACTTTCCACAAAC[T>C]GAGCAAAGGTACTTGGACTCTCCTATTAGAAAAAATTAAAACCCTGTCACATATCCAGCA-3'
Protein context (NP_055230.2, residues 728-748): IHTGESKYLC[Ser738=]VCGKSFHRGS

ClinVar aggregate classification (germline): Likely benign (0 of 4 stars; one submission).

Conditions:
ZBTB11-related disorder. Also called: ZBTB11-related condition.

Allele frequency attached by ClinVar (database versions not stated): gnomAD exomes 0.00011; ExAC 0.00035; ESP Exome Variant Server 0.00108; gnomAD 0.00125; TOPMed 0.00131; 1000 Genomes Project 0.00180; 1000 Genomes Project 30x 0.00219.
gnomAD v4.1: 355 of 1,614,172 alleles (0.022%); highest among the groups gnomAD compares: African/African-American, 0.45%; 1 homozygote.

Submission:

PreventionGenetics, part of Exact Sciences
Classification: Likely benign for ZBTB11-related condition. Last evaluated: 2019-06-27. Review status: no assertion criteria provided. Collection method: clinical testing. Allele origin: germline.
Comment: This variant is classified as likely benign based on ACMG/AMP sequence variant interpretation guidelines (Richards et al. 2015 PMID: 25741868, with internal and published modifications).